The following is an entry in ClinVar:

ClinVar aggregate classification (germline): Likely benign (1 of 4 stars; one submission).

Conditions:
TBXT-related disorder. Also called: TBXT-related condition.

gnomAD v4.1: 53 of 1,614,192 alleles (0.0033%); highest among the groups gnomAD compares: Middle Eastern, 0.12%; no homozygotes.

Submission:

PreventionGenetics, part of Exact Sciences
Classification: Likely benign for TBXT-related condition. Last evaluated: 2026-07-30. Review status: criteria provided, single submitter. Criteria: ACMG Guidelines, 2015. Collection method: clinical testing. Allele origin: germline.
Comment: This variant is classified as likely benign based on ACMG/AMP sequence variant interpretation guidelines (Richards et al. 2015 PMID: 25741868, with internal and published modifications).

NM_001366285.2(TBXT):c.1218C>T (p.Ala406=)

Gene: TBXT (T-box transcription factor T; minus strand). Cytogenetic location: 6q27.
Variant type: single nucleotide variant.
Coding change: c.1218C>T on transcript NM_001366285.2 (MANE Select); coding-DNA position 1218, C replaced by T.
Protein change: p.Ala406=; no amino-acid change (alanine 406 retained).
Molecular consequence: synonymous variant.
Genome position (GRCh38, 1-based): chr6:166,158,408, G>A on the plus strand (C>T on the coding strand, the complement: TBXT is on the minus strand). VCF-style: chr6-166158408-G-A. GRCh37 (hg19) VCF-style: chr6-166571896-G-A.
Other names: c.1041C>T, p.Ala347= (NM_001270484.2); c.1218C>T, p.Ala406= (NM_001366286.2); c.1215C>T, p.Ala405= (NM_003181.4).
Identifiers: ClinVar variation 4994680 (VCV004994680.1).
Genomic context (GRCh38, chr6:166,158,408, plus strand): 5'-GGCTATGAGGCGGCCTTGGGCTGCGGCGTCGTACTGGCTGTCCACGATGTCTGTGGCCGC[G>A]GCCGCCCCTTCGTACAGTGGGGATCCCGAGGAAGAGGGCGCCGAGACCGGATGGGTGAGG-3'
Protein context (NP_001353214.1, residues 396-416): SSGSPLYEGA[Ala406=]AATDIVDSQY